The following is an entry in ClinVar:

NM_012434.5(SLC17A5):c.1260-69_1260-12del

Gene: SLC17A5 (solute carrier family 17 member 5; minus strand). Cytogenetic location: 6q13.
Variant type: Deletion.
Coding change: c.1260-69_1260-12del on transcript NM_012434.5 (MANE Select); 69 bases into the intron before coding-DNA position 1260 through 12 bases into the intron before coding-DNA position 1260, 58 bases deleted.
Molecular consequence: intron variant.
Genome position (GRCh38, 1-based): chr6:73,600,453-73,600,510, 58 bases deleted. GRCh37 (hg19): chr6:74,310,180-74,310,237.
Other names: c.942-69_942-12del (NM_001382636.1); c.1029-69_1029-12del (NM_001382629.1); c.1173-69_1173-12del (NM_001382632.1); c.1257-69_1257-12del (NM_001382635.1); c.1101-69_1101-12del (NM_001382634.1); c.1260-5296_1260-5239del (NM_001382630.1); c.1260-69_1260-12del (NM_001382633.1); c.1281-69_1281-12del (NM_001382631.1).
Identifiers: ClinVar variation 5003905 (VCV005003905.1).

ClinVar aggregate classification (germline): Uncertain significance (1 of 4 stars; one submission).

Conditions:
Sialic acid storage disease, severe infantile type (ISSD). Also called: INFANTILE SIALIC ACID STORAGE DISORDER; SIALURIA, INFANTILE FORM; Free sialic acid storage disease, infantile form; N-ACETYLNEURAMINIC ACID STORAGE DISEASE; NANA STORAGE DISEASE; Infantile Sialic Acid Storage Disease. Identifiers: Orphanet 309324, Orphanet 834, MedGen C1096902, MONDO:0010027, OMIM 269920.

Submission:

Myriad Genetics, Inc.
Classification: Uncertain significance for Sialic acid storage disease, severe infantile type. Last evaluated: 2025-07-16. Review status: criteria provided, single submitter. Criteria: Myriad Autosomal Dominant, Autosomal Recessive and X-Linked Classification Criteria (2023). Collection method: clinical testing. Allele origin: unknown.
Comment: NM_012434.4(SLC17A5):c.1260-69_1260-12del58 is an intronic variant classified as a variant of uncertain significance in the context of free sialic acid storage disorders. c.1260-69_1260-12del58 has not been observed in cases with relevant disease. Relevant functional assessments of this variant are not available in the literature. c.1260-69_1260-12del58 has not been observed in referenced population frequency databases. In summary, there is insufficient evidence to classify NM_012434.4(SLC17A5):c.1260-69_1260-12del58 as pathogenic or benign. Please note: this variant was assessed in the context of healthy population screening.